The following is an entry in ClinVar:

NM_003482.4(KMT2D):c.2023C>T (p.Pro675Ser)

Gene: KMT2D (lysine methyltransferase 2D; minus strand). Cytogenetic location: 12q13.12.
Variant type: single nucleotide variant.
Coding change: c.2023C>T on transcript NM_003482.4 (MANE Select); coding-DNA position 2023, C replaced by T.
Protein change: p.Pro675Ser; replaces proline 675 with serine.
Molecular consequence: missense variant.
Genome position (GRCh38, 1-based): chr12:49,051,660, G>A on the plus strand (C>T on the coding strand, the complement: KMT2D is on the minus strand). VCF-style: chr12-49051660-G-A. GRCh37 (hg19) VCF-style: chr12-49445443-G-A.
Other names: short protein forms P675S.
Identifiers: ClinVar variation 3635169 (VCV003635169.2).

ClinVar aggregate classification (germline): Uncertain significance (1 of 4 stars; one submission).

Conditions:
Kabuki syndrome. Also called: NIIKAWA-KUROKI SYNDROME; Kabuki make-up syndrome. Identifiers: Orphanet 2322, MedGen C0796004, MONDO:0016512.

Submission:

Labcorp Genetics (formerly Invitae), Labcorp
Classification: Uncertain significance for Kabuki syndrome. Last evaluated: 2024-06-09. Review status: criteria provided, single submitter. Criteria: Invitae Variant Classification Sherloc (09022015). Collection method: clinical testing. Allele origin: germline.
Comment: This sequence change replaces proline, which is neutral and non-polar, with serine, which is neutral and polar, at codon 675 of the KMT2D protein (p.Pro675Ser). This variant is not present in population databases (gnomAD no frequency). This variant has not been reported in the literature in individuals affected with KMT2D-related conditions. Advanced modeling of protein sequence and biophysical properties (such as structural, functional, and spatial information, amino acid conservation, physicochemical variation, residue mobility, and thermodynamic stability) performed at Invitae indicates that this missense variant is not expected to disrupt KMT2D protein function with a negative predictive value of 95%. In summary, the available evidence is currently insufficient to determine the role of this variant in disease. Therefore, it has been classified as a Variant of Uncertain Significance.